The following is an entry in ClinVar:

ClinVar aggregate classification (germline): Benign (0 of 4 stars; one submission).

Conditions:
NAT8L-related disorder. Also called: NAT8L-related condition.

Allele frequency attached by ClinVar (database versions not stated): 1000 Genomes Project 0.01058; TOPMed 0.02167; 1000 Genomes Project 30x 0.03763; gnomAD 0.02378; gnomAD exomes 0.02148; ExAC 0.07955.
gnomAD v4.1: 21,525 of 979,798 alleles (2.2%); highest among the groups gnomAD compares: East Asian, 16%; 351 homozygotes.

Submission:

PreventionGenetics, part of Exact Sciences
Classification: Benign for NAT8L-related condition. Last evaluated: 2019-09-10. Review status: no assertion criteria provided. Collection method: clinical testing. Allele origin: germline.
Comment: This variant is classified as benign based on ACMG/AMP sequence variant interpretation guidelines (Richards et al. 2015 PMID: 25741868, with internal and published modifications).

NM_178557.4(ASPNAT):c.96C>T (p.Leu32=)

Gene: ASPNAT (aspartate N-acetyltransferase; plus strand). Cytogenetic location: 4p16.3.
Variant type: single nucleotide variant.
Coding change: c.96C>T on transcript NM_178557.4 (MANE Select); coding-DNA position 96, C replaced by T.
Protein change: p.Leu32=; no amino-acid change (leucine 32 retained).
Molecular consequence: synonymous variant.
Genome position (GRCh38, 1-based): chr4:2,059,607, C>T. VCF-style: chr4-2059607-C-T. GRCh37 (hg19) VCF-style: chr4-2061334-C-T.
Identifiers: ClinVar variation 3060891 (VCV003060891.2), dbSNP rs183901937, ClinGen allele CA2813797.